The following is an entry in ClinVar:

NM_000353.3(TAT):c.631del (p.Cys211fs)

Genes: TAT (tyrosine aminotransferase; minus strand), TAT-AS1 (TAT antisense RNA 1; plus strand), LOC111413029 (BRD4-independent group 4 enhancer GRCh37_chr16:71605697-71606896; plus strand). Cytogenetic location: 16q22.2.
Variant type: Deletion.
Coding change: c.631del on transcript NM_000353.3 (MANE Select); coding-DNA position 631, one base deleted (T; older notation c.631delT).
Protein change: p.Cys211fs; shifts the reading frame from cysteine 211.
Molecular consequence: frameshift variant. On other transcripts: non-coding transcript variant (2).
Genome position (GRCh38, 1-based): chr16:71,572,261, A deleted on the plus strand (T on the coding strand, the reverse complement: TAT is on the minus strand); the first of 2 consecutive A bases (chr16:71,572,261-71,572,262); deleting either gives the same sequence. VCF-style (leftmost placement, unchanged base first): chr16-71572260-CA-C. GRCh37 (hg19) VCF-style: chr16-71606163-CA-C.
Other names: short protein forms C211fs.
Identifiers: ClinVar variation 5015402 (VCV005015402.1).
Genomic context (GRCh38, chr16:71,572,260, plus strand): 5'-TGAAGATGACGTTTGCTGAACACTGACCCACAGGGGTTTGATGGATTATTGACAATGAGA[CA>C]AGCTGTCTTTTCATCAATTAGATATTCCAGTTGTTTCAGGTCAATTTCCCAAGATTTCTC-3'

ClinVar aggregate classification (germline): Pathogenic (1 of 4 stars; one submission).

Conditions:
Tyrosinemia type II (TYRSN2). Also called: KERATOSIS PALMOPLANTARIS WITH CORNEAL DYSTROPHY; OREGON TYPE TYROSINEMIA; TAT DEFICIENCY; TYROSINE AMINOTRANSFERASE DEFICIENCY; TYROSINE TRANSAMINASE DEFICIENCY. Identifiers: Orphanet 28378, MedGen C0268487, MONDO:0010160, OMIM 276600.

Submission:

Myriad Genetics, Inc.
Classification: Pathogenic for Tyrosinemia type II. Last evaluated: 2026-01-07. Review status: criteria provided, single submitter. Criteria: Myriad Autosomal Dominant, Autosomal Recessive and X-Linked Classification Criteria (2023). Collection method: clinical testing. Allele origin: unknown.
Comment: NM_000353.2(TAT):c.631delT(C211Vfs*35) is expected to be pathogenic in the context of tyrosinemia type II. This variant is predicted to lead to an abnormal or absent protein product due to the creation of a premature termination codon in TAT, a gene where loss-of-function variants are known to be pathogenic. Please note: this variant was assessed in the context of healthy population screening.